The following is an entry in ClinVar:

NM_000186.4(CFH):c.2792G>A (p.Cys931Tyr)

Gene: CFH (complement factor H; plus strand). Cytogenetic location: 1q31.3.
Variant type: single nucleotide variant.
Coding change: c.2792G>A on transcript NM_000186.4 (MANE Select); coding-DNA position 2792, G replaced by A.
Protein change: p.Cys931Tyr; replaces cysteine 931 with tyrosine.
Molecular consequence: missense variant.
Genome position (GRCh38, 1-based): chr1:196,740,628, G>A. VCF-style: chr1-196740628-G-A. GRCh37 (hg19) VCF-style: chr1-196709758-G-A.
Other names: short protein forms C931Y.
Identifiers: ClinVar variation 4291513 (VCV004291513.1).

ClinVar aggregate classification (germline): Uncertain significance (1 of 4 stars; one submission).

Conditions:
Atypical hemolytic-uremic syndrome. Identifiers: Orphanet 2134, MedGen C2931788, MONDO:0016244.

Submission:

Genomenon, Inc
Classification: Uncertain significance for Atypical hemolytic-uremic syndrome. Last evaluated: 2025-10-02. Review status: criteria provided, single submitter. Criteria: Genomenon Sequence Variant Interpretation Standards - Updated. Collection method: curation. Allele origin: germline. Affected: yes.
Comment: CFH p.Cys931Tyr (c.2792G>A) is a missense variant that changes the amino acid at residue 931 from Cysteine to Tyrosine. This variant has been observed in at least one proband affected with atypical hemolytic-uremic syndrome (PMID:34258481). It is absent or not present at a significant frequency in gnomAD. In silico models agree that this variant is possibly or probably damaging. In conclusion, we classify CFH p.Cys931Tyr (c.2792G>A) as a variant of uncertain significance.

Literature cited by the submitters: PubMed 34258481.